The following is an entry in ClinVar:

ClinVar aggregate classification (germline): Likely benign (0 of 4 stars; one submission).

Conditions:
MUC16-related disorder. Also called: MUC16-related condition.

Allele frequency attached by ClinVar (database versions not stated): gnomAD exomes 0.00014; gnomAD 0.00027; 1000 Genomes Project 30x 0.00031; ExAC 0.00587.

Submission:

PreventionGenetics, part of Exact Sciences
Classification: Likely benign for MUC16-related condition. Last evaluated: 2019-10-28. Review status: no assertion criteria provided. Collection method: clinical testing. Allele origin: germline.
Comment: This variant is classified as likely benign based on ACMG/AMP sequence variant interpretation guidelines (Richards et al. 2015 PMID: 25741868, with internal and published modifications).

NM_001401501.2(MUC16):c.38817C>T (p.Ser12939=)

Gene: MUC16 (mucin 16, cell surface associated; minus strand). Cytogenetic location: 19p13.2.
Variant type: single nucleotide variant.
Coding change: c.38817C>T on transcript NM_001401501.2 (MANE Select); coding-DNA position 38817, C replaced by T.
Protein change: p.Ser12939=; no amino-acid change (serine 12939 retained).
Molecular consequence: synonymous variant.
Genome position (GRCh38, 1-based): chr19:8,902,137, G>A on the plus strand (C>T on the coding strand, the complement: MUC16 is on the minus strand). VCF-style: chr19-8902137-G-A. GRCh37 (hg19) VCF-style: chr19-9012813-G-A.
Other names: c.39243C>T, p.Ser13081= (NM_001414686.1); c.38697C>T, p.Ser12899= (NM_001414687.1); c.38631C>T, p.Ser12877= (NM_024690.2).
Identifiers: ClinVar variation 3060709 (VCV003060709.2), dbSNP rs749421802, ClinGen allele CA9164468.